The following is an entry in ClinVar:

ClinVar aggregate classification (germline): Pathogenic (1 of 4 stars; one submission).

Submission:

Labcorp Genetics (formerly Invitae), Labcorp
Classification: Pathogenic. Last evaluated: 2023-01-08. Review status: criteria provided, single submitter. Criteria: Invitae Variant Classification Sherloc (09022015). Collection method: clinical testing. Allele origin: germline.
Comment: This sequence change creates a premature translational stop signal (p.Glu109Thrfs*39) in the GPR143 gene. It is expected to result in an absent or disrupted protein product. Loss-of-function variants in GPR143 are known to be pathogenic (PMID: 15965158, 18978956, 19390656, 21541274, 26160353, 28211458). This variant is not present in population databases (gnomAD no frequency). This variant has not been reported in the literature in individuals affected with GPR143-related conditions. For these reasons, this variant has been classified as Pathogenic.

Literature cited by the submitters: PubMed 15965158; PubMed 18978956; PubMed 19390656; PubMed 21541274; PubMed 26160353; PubMed 28211458.

NM_000273.3(GPR143):c.316_323dup (p.Glu109fs)

Gene: GPR143 (G protein-coupled receptor 143; minus strand). Cytogenetic location: Xp22.2.
Variant type: Duplication.
Coding change: c.316_323dup on transcript NM_000273.3 (MANE Select); coding-DNA positions 316 to 323, 8 bases duplicated (AACCACAC; older notation c.316_323dupAACCACAC).
Protein change: p.Glu109fs; shifts the reading frame from glutamic acid 109.
Molecular consequence: frameshift variant.
Genome position (GRCh38, 1-based): chrX:9,760,754-9,760,761, GTGTGGTT duplicated on the plus strand (AACCACAC on the coding strand, the reverse complement: GPR143 is on the minus strand). VCF-style (leftmost placement, unchanged base first): chrX-9760753-C-CGTGTGGTT. GRCh37 (hg19) VCF-style: chrX-9728793-C-CGTGTGGTT.
Other names: short protein forms E109fs.
Identifiers: ClinVar variation 2827089 (VCV002827089.3), dbSNP rs2518638213, ClinGen allele CA2739268073.